The following is an entry in ClinVar:

NM_001267550.2(TTN):c.86015G>A (p.Trp28672Ter)

Genes: TTN (titin; minus strand), TTN-AS1 (TTN antisense RNA 1; plus strand). Cytogenetic location: 2q31.2.
Variant type: single nucleotide variant.
Coding change: c.86015G>A on transcript NM_001267550.2 (MANE Select); coding-DNA position 86015, G replaced by A.
Protein change: p.Trp28672Ter; replaces tryptophan 28672 with a stop codon.
Molecular consequence: nonsense.
Genome position (GRCh38, 1-based): chr2:178,560,117, C>T on the plus strand (G>A on the coding strand, the complement: TTN is on the minus strand). VCF-style: chr2-178560117-C-T. GRCh37 (hg19) VCF-style: chr2-179424844-C-T.
Other names: c.81092G>A, p.Trp27031Ter (NM_001256850.1); c.58820G>A, p.Trp19607Ter (NM_003319.4); c.78311G>A, p.Trp26104Ter (NM_133378.4); c.59195G>A, p.Trp19732Ter (NM_133432.3); c.59396G>A, p.Trp19799Ter (NM_133437.4); short protein forms W19607*, W19732*, W26104*, W27031*, W19799*, W28672*.
Identifiers: ClinVar variation 1469032 (VCV001469032.7), dbSNP rs1559284497, ClinGen allele CA349547006.

ClinVar aggregate classification (germline): Likely pathogenic. Review status: criteria provided, multiple submitters, no conflicts (2 of 4 stars). 2 submissions from 2 submitters: Likely pathogenic (2). Last evaluated 2024-05-14.

Conditions:
Cardiovascular phenotype. Identifiers: MedGen CN230736.
Dilated cardiomyopathy 1G (CMD1G). Identifiers: Orphanet 154, MedGen C1858763, MONDO:0011400, OMIM 604145.
Autosomal recessive limb-girdle muscular dystrophy type 2J (LGMDR10). Also called: Limb-girdle muscular dystrophy, type 2J; MUSCULAR DYSTROPHY, LIMB-GIRDLE, AUTOSOMAL RECESSIVE 10. Identifiers: Orphanet 140922, MedGen C1837342, MONDO:0012127, OMIM 608807.

Submissions (2):

Molecular Diagnostic Laboratory for Inherited Cardiovascular Disease, Montreal Heart Institute
Classification: Likely pathogenic for Cardiovascular phenotype. Last evaluated: 2024-05-14. Review status: criteria provided, single submitter. Criteria: ACMG Guidelines, 2015. Collection method: clinical testing. Allele origin: germline. Affected: yes.
Comment: PVS1, PM2

Labcorp Genetics (formerly Invitae), Labcorp
Classification: Likely pathogenic for Dilated cardiomyopathy 1G; Autosomal recessive limb-girdle muscular dystrophy type 2J. Last evaluated: 2021-10-28. Review status: criteria provided, single submitter. Criteria: Invitae Variant Classification Sherloc (09022015). Collection method: clinical testing. Allele origin: germline.
Comment: This variant is not present in population databases (gnomAD no frequency). In summary, the currently available evidence indicates that the variant is pathogenic, but additional data are needed to prove that conclusively. Therefore, this variant has been classified as Likely Pathogenic. This variant is located in the A band of TTN (PMID: 25589632). Truncating variants in this region are significantly overrepresented in patients affected with dilated cardiomyopathy (PMID: 25589632). Truncating variants in this region have also been reported in individuals affected with autosomal recessive centronuclear myopathy (PMID: 23975875). Algorithms developed to predict the effect of sequence changes on RNA splicing suggest that this variant may create or strengthen a splice site. This premature translational stop signal has been observed in individual(s) with dilated cardiomyopathy (PMID: 27886618). This sequence change creates a premature translational stop signal (p.Trp28672*) in the TTN gene. While this is not anticipated to result in nonsense mediated decay, it is expected to create a truncated TTN protein.

Literature cited by the submitters: PubMed 25589632 (cited by Labcorp Genetics (formerly Invitae), Labcorp); PubMed 23975875 (cited by Labcorp Genetics (formerly Invitae), Labcorp); PubMed 27886618 (cited by Labcorp Genetics (formerly Invitae), Labcorp).